The following is an entry in ClinVar:

NM_002296.4(LBR):c.545C>T (p.Ser182Phe)

Gene: LBR (lamin B receptor; minus strand). Cytogenetic location: 1q42.12.
Variant type: single nucleotide variant.
Coding change: c.545C>T on transcript NM_002296.4 (MANE Select); coding-DNA position 545, C replaced by T.
Protein change: p.Ser182Phe; replaces serine 182 with phenylalanine.
Molecular consequence: missense variant.
Genome position (GRCh38, 1-based): chr1:225,419,358, G>A on the plus strand (C>T on the coding strand, the complement: LBR is on the minus strand). VCF-style: chr1-225419358-G-A. GRCh37 (hg19) VCF-style: chr1-225607060-G-A.
Other names: c.545C>T, p.Ser182Phe (NM_194442.3); short protein forms S182F.
Identifiers: ClinVar variation 2421051 (VCV002421051.6), dbSNP rs370431555, ClinGen allele CA1417436.
Genomic context (GRCh38, chr1:225,419,358, plus strand): 5'-ATGGGGGTCACTTCAAAGGTTCTCACTGCCAGTTCTTTTGCAACGTATTTTTCTTCCTTA[G>A]AATCTATTTCTTTTAATTTGACTTCTTCTCTTCTTGGACGAAGGCTATACTGTGTTGCTA-3'
Protein context (NP_002287.2, residues 172-192): REEVKLKEID[Ser182Phe]KEEKYVAKEL

ClinVar aggregate classification (germline): Uncertain significance (1 of 4 stars; one submission).

gnomAD v4.1: 108 of 1,613,972 alleles (0.0067%); highest among the groups gnomAD compares: Non-Finnish European, 0.009%; no homozygotes.

Submission:

Labcorp Genetics (formerly Invitae), Labcorp
Classification: Uncertain significance. Last evaluated: 2025-03-05. Review status: criteria provided, single submitter. Criteria: Invitae Variant Classification Sherloc (09022015). Collection method: clinical testing. Allele origin: germline.
Comment: This sequence change replaces serine, which is neutral and polar, with phenylalanine, which is neutral and non-polar, at codon 182 of the LBR protein (p.Ser182Phe). This variant is present in population databases (rs370431555, gnomAD 0.007%). This variant has not been reported in the literature in individuals affected with LBR-related conditions. ClinVar contains an entry for this variant (Variation ID: 2421051). Invitae Evidence Modeling of protein sequence and biophysical properties (such as structural, functional, and spatial information, amino acid conservation, physicochemical variation, residue mobility, and thermodynamic stability) indicates that this missense variant is not expected to disrupt LBR protein function with a negative predictive value of 80%. In summary, the available evidence is currently insufficient to determine the role of this variant in disease. Therefore, it has been classified as a Variant of Uncertain Significance.